The following is an entry in ClinVar:

ClinVar aggregate classification (germline): Uncertain significance. Review status: criteria provided, multiple submitters, no conflicts (2 of 4 stars). 2 submissions from 2 submitters: Uncertain significance (2). Last evaluated 2025-11-24.

Conditions:
Inborn genetic diseases. Identifiers: MedGen C0950123, MeSH D030342.

Allele frequency attached by ClinVar (database versions not stated): TOPMed 0.00001.
gnomAD v4.1: 41 of 1,614,226 alleles (0.0025%); highest among the groups gnomAD compares: Non-Finnish European, 0.0034%; no homozygotes.

Submissions (2):

Ambry Genetics
Classification: Uncertain significance for Inborn genetic diseases. Last evaluated: 2025-11-24. Review status: criteria provided, single submitter. Criteria: Ambry Variant Classification Scheme 2023. Collection method: clinical testing. Allele origin: germline.

Labcorp Genetics (formerly Invitae), Labcorp
Classification: Uncertain significance. Last evaluated: 2022-06-12. Review status: criteria provided, single submitter. Criteria: Invitae Variant Classification Sherloc (09022015). Collection method: clinical testing. Allele origin: germline.
Comment: This sequence change replaces glutamine, which is neutral and polar, with proline, which is neutral and non-polar, at codon 461 of the HPS3 protein (p.Gln461Pro). This variant is present in population databases (no rsID available, gnomAD 0.0009%). This variant has not been reported in the literature in individuals affected with HPS3-related conditions. Algorithms developed to predict the effect of missense changes on protein structure and function (SIFT, PolyPhen-2, Align-GVGD) all suggest that this variant is likely to be tolerated. In summary, the available evidence is currently insufficient to determine the role of this variant in disease. Therefore, it has been classified as a Variant of Uncertain Significance.

NM_032383.5(HPS3):c.1382A>C (p.Gln461Pro)

Gene: HPS3 (HPS3 biogenesis of lysosomal organelles complex 2 subunit 1; plus strand). Cytogenetic location: 3q24.
Variant type: single nucleotide variant.
Coding change: c.1382A>C on transcript NM_032383.5 (MANE Select); coding-DNA position 1382, A replaced by C.
Protein change: p.Gln461Pro; replaces glutamine 461 with proline.
Molecular consequence: missense variant.
Genome position (GRCh38, 1-based): chr3:149,153,630, A>C. VCF-style: chr3-149153630-A-C. GRCh37 (hg19) VCF-style: chr3-148871417-A-C.
Other names: c.887A>C, p.Gln296Pro (NM_001308258.2); c.1382A>C (NM_032383.3); short protein forms Q296P, Q461P.
Identifiers: ClinVar variation 2166796 (VCV002166796.2), dbSNP rs1389256926, ClinGen allele CA354919311.
Genomic context (GRCh38, chr3:149,153,630, plus strand): 5'-TTAAAAACCACATCATACTTTTGACTAAAGCAGAACCTGAAGCCATTCCAGAGAGAAGAC[A>C]GTCACCCAAGAGGCTTCTGTAAGCATCCCCTTGCCCCAGGCATTCCTGCCAGTTTCTGGA-3'
Protein context (NP_115759.2, residues 451-471): AEPEAIPERR[Gln461Pro]SPKRLLSRKD